The following is an entry in ClinVar:

NC_000005.9:g.(?_138118846)_(138269778_?)del

Genes: CTNNA1 (catenin alpha 1; plus strand), LRRTM2 (leucine rich repeat transmembrane neuronal 2; minus strand). Cytogenetic location: 5q31.2.
Variant type: Deletion.
Identifiers: ClinVar variation 1022830 (VCV001022830.5).

ClinVar aggregate classification (germline): Uncertain significance (1 of 4 stars; one submission).

Submission:

Labcorp Genetics (formerly Invitae), Labcorp
Classification: Uncertain significance. Last evaluated: 2020-02-13. Review status: criteria provided, single submitter. Criteria: Invitae Variant Classification Sherloc (09022015). Collection method: clinical testing. Allele origin: germline.
Comment: In summary, the available evidence is currently insufficient to determine the role of this variant in disease. Therefore, it has been classified as a Variant of Uncertain Significance. Experimental studies and prediction algorithms are not available or were not evaluated, and the functional significance of this variant is currently unknown. This variant has not been reported in the literature in individuals with CTNNA1-related conditions. This variant is a gross deletion of the genomic region encompassing exons 3 to 18 of the CTNNA1 gene. The 5' boundary is likely confined to intron 3. The 3' end of this event is unknown as it extends through the termination codon beyond the assayed region for this gene and may encompass additional genes. While this deletion is not anticipated to result in nonsense mediated decay, it is expected to create a truncated protein product or disrupt mRNA translation.